The following is an entry in ClinVar:

NM_004153.4(ORC1):c.2488C>T (p.Arg830Cys)

Gene: ORC1 (origin recognition complex subunit 1; minus strand). Cytogenetic location: 1p32.3.
Variant type: single nucleotide variant.
Coding change: c.2488C>T on transcript NM_004153.4 (MANE Select); coding-DNA position 2488, C replaced by T.
Protein change: p.Arg830Cys; replaces arginine 830 with cysteine.
Molecular consequence: missense variant.
Genome position (GRCh38, 1-based): chr1:52,373,279, G>A on the plus strand (C>T on the coding strand, the complement: ORC1 is on the minus strand). VCF-style: chr1-52373279-G-A. GRCh37 (hg19) VCF-style: chr1-52838951-G-A.
Other names: c.2488C>T, p.Arg830Cys (NM_001190818.2); c.2473C>T, p.Arg825Cys (NM_001190819.2); short protein forms R825C, R830C.
Identifiers: ClinVar variation 1018780 (VCV001018780.9), dbSNP rs757430297, ClinGen allele CA853009.

ClinVar aggregate classification (germline): Uncertain significance. Review status: criteria provided, multiple submitters, no conflicts (2 of 4 stars). 2 submissions from 2 submitters: Uncertain significance (2). Last evaluated 2024-10-16.

Conditions:
Meier-Gorlin syndrome 1 (MGORS1). Also called: EAR, PATELLA, SHORT STATURE SYNDROME. Identifiers: Orphanet 2554, MedGen C4552001, MONDO:0009143, OMIM 224690.

Allele frequency attached by ClinVar (database versions not stated): ExAC 0.00002; gnomAD 0.00002; gnomAD exomes 0.00002 and 0.00003; TOPMed 0.00002.
gnomAD v4.1: 43 of 1,614,044 alleles (0.0027%); highest among the groups gnomAD compares: Admixed American, 0.012%; no homozygotes.

Submissions (2):

Laboratorio de Genetica e Diagnostico Molecular, Hospital Israelita Albert Einstein
Classification: Uncertain significance for Meier-Gorlin syndrome 1. Last evaluated: 2024-10-16. Review status: criteria provided, single submitter. Criteria: ACMG Guidelines, 2015. Collection method: clinical testing. Allele origin: germline. Affected: yes.
Comment: ACMG classification criteria: PM2 supporting

Labcorp Genetics (formerly Invitae), Labcorp
Classification: Uncertain significance. Last evaluated: 2020-02-14. Review status: criteria provided, single submitter. Criteria: Invitae Variant Classification Sherloc (09022015). Collection method: clinical testing. Allele origin: germline.
Comment: This sequence change replaces arginine with cysteine at codon 830 of the ORC1 protein (p.Arg830Cys). The arginine residue is highly conserved and there is a large physicochemical difference between arginine and cysteine. This variant is present in population databases (rs757430297, ExAC 0.003%). This variant has not been reported in the literature in individuals with ORC1-related conditions. Algorithms developed to predict the effect of missense changes on protein structure and function are either unavailable or do not agree on the potential impact of this missense change (SIFT: "Deleterious"; PolyPhen-2: "Probably Damaging"; Align-GVGD: "Class C15"). In summary, the available evidence is currently insufficient to determine the role of this variant in disease. Therefore, it has been classified as a Variant of Uncertain Significance.